The following is an entry in ClinVar:

NM_001379081.2(FREM1):c.5268G>A (p.Val1756=)

Gene: FREM1 (FRAS1 related extracellular matrix 1; minus strand). Cytogenetic location: 9p22.3.
Variant type: single nucleotide variant.
Coding change: c.5268G>A on transcript NM_001379081.2 (MANE Select); coding-DNA position 5268, G replaced by A.
Protein change: p.Val1756=; no amino-acid change (valine 1756 retained).
Molecular consequence: synonymous variant. On other transcripts: non-coding transcript variant (2).
Genome position (GRCh38, 1-based): chr9:14,759,838, C>T on the plus strand (G>A on the coding strand, the complement: FREM1 is on the minus strand). VCF-style: chr9-14759838-C-T. GRCh37 (hg19) VCF-style: chr9-14759836-C-T.
Other names: c.876G>A, p.Val292= (NM_001177704.3, NM_001370058.2, NM_001370061.2); c.5268G>A, p.Val1756= (NM_144966.7); c.5268G>A (NM_144966.5).
Identifiers: ClinVar variation 2170727 (VCV002170727.5), dbSNP rs367782112, ClinGen allele CA4989827.
Genomic context (GRCh38, chr9:14,759,838, plus strand): 5'-ACCCACAAAGGCCGAGTCCATGGAATATCCCCTTCTGATAATTTCCAAGGGCAACAAACC[C>T]ACATTCTCACAGACTTCATATTCGGTCTGTGACCATTCAATATGAGACCACTTCAGTTCC-3'
Protein context (NP_001366010.1, residues 1746-1766): SQTEYEVCEN[Val1756=]GLLPLEIIRR

ClinVar aggregate classification (germline): Likely benign. Review status: criteria provided, multiple submitters, no conflicts (2 of 4 stars). 2 submissions from 2 submitters: Likely benign (2). Last evaluated 2025-03-30.

Conditions:
FREM1-related disorder. Also called: FREM1-related condition; FREM1-Related Disorders.

Allele frequency attached by ClinVar (database versions not stated): ExAC 0.00002; gnomAD 0.00002; TOPMed 0.00003; gnomAD exomes 0.00005; ESP Exome Variant Server 0.00008.
gnomAD v4.1: 73 of 1,612,422 alleles (0.0045%); highest among the groups gnomAD compares: Middle Eastern, 0.016%; no homozygotes.

Submissions (2):

PreventionGenetics, part of Exact Sciences
Classification: Likely benign for FREM1-related condition. Last evaluated: 2025-03-30. Review status: criteria provided, single submitter. Criteria: ACMG Guidelines, 2015. Collection method: clinical testing. Allele origin: germline.
Comment: This variant is classified as likely benign based on ACMG/AMP sequence variant interpretation guidelines (Richards et al. 2015 PMID: 25741868, with internal and published modifications).

Labcorp Genetics (formerly Invitae), Labcorp
Classification: Likely benign. Last evaluated: 2022-02-07. Review status: criteria provided, single submitter. Criteria: Invitae Variant Classification Sherloc (09022015). Collection method: clinical testing. Allele origin: germline.